The following is an entry in ClinVar:

ClinVar aggregate classification (germline): Conflicting classifications of pathogenicity. Review status: criteria provided, conflicting classifications (1 of 4 stars). 2 submissions from 2 submitters: Uncertain significance (1); Likely benign (1). Last evaluated 2025-12-16.

Conditions:
Inborn genetic diseases. Identifiers: MedGen C0950123, MeSH D030342.

Allele frequency attached by ClinVar (database versions not stated): gnomAD 0.00003; TOPMed 0.00004; ESP Exome Variant Server 0.00008.
gnomAD v4.1: 34 of 1,613,906 alleles (0.0021%); highest among the groups gnomAD compares: East Asian, 0.0045%; no homozygotes.

Submissions (2):

Ambry Genetics
Classification: Likely benign for Inborn genetic diseases. Last evaluated: 2025-12-16. Review status: criteria provided, single submitter. Criteria: Ambry Variant Classification Scheme 2023. Collection method: clinical testing. Allele origin: germline.

Labcorp Genetics (formerly Invitae), Labcorp
Classification: Uncertain significance. Last evaluated: 2021-08-30. Review status: criteria provided, single submitter. Criteria: Invitae Variant Classification Sherloc (09022015). Collection method: clinical testing. Allele origin: germline.
Comment: This sequence change replaces glycine with serine at codon 504 of the VAC14 protein (p.Gly504Ser). The glycine residue is weakly conserved and there is a small physicochemical difference between glycine and serine. This variant is present in population databases (rs371294187, ExAC 0.01%). This variant has not been reported in the literature in individuals affected with VAC14-related conditions. Algorithms developed to predict the effect of missense changes on protein structure and function output the following: SIFT: "Tolerated"; PolyPhen-2: "Benign"; Align-GVGD: "Class C0". The serine amino acid residue is found in multiple mammalian species, which suggests that this missense change does not adversely affect protein function. In summary, the available evidence is currently insufficient to determine the role of this variant in disease. Therefore, it has been classified as a Variant of Uncertain Significance.

NM_018052.5(VAC14):c.1510G>A (p.Gly504Ser)

Gene: VAC14 (VAC14 component of PIKFYVE complex; minus strand). Cytogenetic location: 16q22.1.
Variant type: single nucleotide variant.
Coding change: c.1510G>A on transcript NM_018052.5 (MANE Select); coding-DNA position 1510, G replaced by A.
Protein change: p.Gly504Ser; replaces glycine 504 with serine.
Molecular consequence: missense variant.
Genome position (GRCh38, 1-based): chr16:70,744,441, C>T on the plus strand (G>A on the coding strand, the complement: VAC14 is on the minus strand). VCF-style: chr16-70744441-C-T. GRCh37 (hg19) VCF-style: chr16-70778344-C-T.
Other names: c.808G>A, p.Gly270Ser (NM_001351157.2); c.1510G>A (NM_018052.3); short protein forms G504S, G270S.
Identifiers: ClinVar variation 1474801 (VCV001474801.6), dbSNP rs371294187, ClinGen allele CA8147622.